The following is an entry in ClinVar:

ClinVar aggregate classification (germline): Pathogenic (1 of 4 stars; one submission).

Submission:

Labcorp Genetics (formerly Invitae), Labcorp
Classification: Pathogenic. Last evaluated: 2024-01-25. Review status: criteria provided, single submitter. Criteria: Invitae Variant Classification Sherloc (09022015). Collection method: clinical testing. Allele origin: germline.
Comment: This sequence change creates a premature translational stop signal (p.Phe689*) in the ERCC6 gene. It is expected to result in an absent or disrupted protein product. Loss-of-function variants in ERCC6 are known to be pathogenic (PMID: 18628313, 29572252). This variant is not present in population databases (gnomAD no frequency). This variant has not been reported in the literature in individuals affected with ERCC6-related conditions. ClinVar contains an entry for this variant (Variation ID: 1452371). For these reasons, this variant has been classified as Pathogenic.

Literature cited by the submitters: PubMed 18628313; PubMed 29572252.

NM_000124.4(ERCC6):c.2066_2067del (p.Leu688_Phe689insTer)

Gene: ERCC6 (ERCC excision repair 6, chromatin remodeling factor; minus strand). Cytogenetic location: 10q11.23.
Variant type: Deletion.
Coding change: c.2066_2067del on transcript NM_000124.4 (MANE Select); coding-DNA positions 2066 to 2067, 2 bases deleted (TT; older notation c.2066_2067delTT).
Protein change: p.Leu688_Phe689insTer.
Molecular consequence: nonsense.
Genome position (GRCh38, 1-based): chr10:49,482,789-49,482,790, AA deleted on the plus strand (TT on the coding strand, the reverse complement: ERCC6 is on the minus strand); deleting any 2 consecutive bases within chr10:49,482,789-49,482,791 gives the same sequence; the c. name uses the placement nearest the transcript's 3' end. VCF-style (leftmost placement, unchanged base first): chr10-49482788-CAA-C. GRCh37 (hg19) VCF-style: chr10-50690834-CAA-C.
Other names: c.2066_2067del, p.Leu688_Phe689insTer (NM_001346440.2).
Identifiers: ClinVar variation 1452371 (VCV001452371.6), dbSNP rs2132551765, ClinGen allele CA2573145160.